The following is an entry in ClinVar:

ClinVar aggregate classification (germline): Conflicting classifications of pathogenicity. Review status: criteria provided, conflicting classifications (1 of 4 stars). 4 submissions from 4 submitters: Likely pathogenic (1); Uncertain significance (2). 1 of the submissions does not count toward it. Last evaluated 2025-08-25.

Conditions:
Nephrotic syndrome, IIa 26. Also called: Nephrotic syndrome, type 26. Identifiers: MedGen C5774221, MONDO:0031061, OMIM 620049.
Bent bone dysplasia syndrome 2 (BBDS2). Identifiers: MedGen C5774233, MONDO:0859573, OMIM 620076.
Short stature. Identifiers: MedGen C0349588, HP:0004322.

Allele frequency attached by ClinVar (database versions not stated): gnomAD 0.00006; gnomAD exomes 0.00007 and 0.00011; TOPMed 0.00011; ExAC 0.00026.
gnomAD v4.1: 101 of 1,489,306 alleles (0.0068%); highest among the groups gnomAD compares: Middle Eastern, 0.18%; no homozygotes.

Submissions (4):

First Genomix Gene Laboratory, Genetic Diagnostics Department
Classification: Likely pathogenic for Bent bone dysplasia syndrome 2; Nephrotic syndrome, IIa 26. Last evaluated: 2025-08-25. Review status: criteria provided, single submitter. Criteria: ACMG Guidelines, 2015. Collection method: clinical testing. Allele origin: germline. Inheritance: Autosomal recessive inheritance. Affected: no. Observed: 1 variant allele.

CeGaT Center for Human Genetics Tuebingen
Classification: Uncertain significance. Last evaluated: 2025-07-01. Review status: criteria provided, single submitter. Criteria: CeGaT Center For Human Genetics Tuebingen Variant Classification Criteria Version 2. Collection method: clinical testing. Allele origin: germline. Affected: yes. Observed: 1 variant allele.
Comment: LAMA5: PM2, BP4

Blueprint Genetics
Classification: Uncertain significance. Last evaluated: 2024-06-20. Review status: criteria provided, single submitter. Criteria: ACMG Guidelines, 2015. Collection method: clinical testing. Allele origin: germline.

Institute of Human Genetics, FAU Erlangen, Friedrich-Alexander-Universität Erlangen-Nürnberg
Classification: Likely pathogenic for Short stature. Last evaluated: 2001-11-18. Review status: no assertion criteria provided. Collection method: case-control. Allele origin: germline. Affected: yes. Not counted in ClinVar's aggregate classification.

NM_005560.6(LAMA5):c.3244C>A (p.Pro1082Thr)

Gene: LAMA5 (laminin subunit alpha 5; minus strand). Cytogenetic location: 20q13.33.
Variant type: single nucleotide variant.
Coding change: c.3244C>A on transcript NM_005560.6 (MANE Select); coding-DNA position 3244, C replaced by A.
Protein change: p.Pro1082Thr; replaces proline 1082 with threonine.
Molecular consequence: missense variant.
Genome position (GRCh38, 1-based): chr20:62,333,128, G>T on the plus strand (C>A on the coding strand, the complement: LAMA5 is on the minus strand). VCF-style: chr20-62333128-G-T. GRCh37 (hg19) VCF-style: chr20-60908184-G-T.
Other names: short protein forms P1082T.
Identifiers: ClinVar variation 599492 (VCV000599492.10), dbSNP rs766464011, ClinGen allele CA9943099.
Genomic context (GRCh38, chr20:62,333,128, plus strand): 5'-CGTGGGGTCCCAGGACACGCACATCACTGCCCGTGCAGGTGATCAGTGGCGGGTGCGACG[G>T]GCTGAGCTGCTCCGTGGGGCAGGGCCGGGGCAGGCTGTTGTCCTGGCGACACAGGGCCTC-3'
Protein context (NP_005551.3, residues 1072-1092): PRPCPTEQLS[Pro1082Thr]SHPPLITCTG